The following is an entry in ClinVar:

NM_001378964.1(CDON):c.1484C>T (p.Ala495Val)

Gene: CDON (cell adhesion associated, oncogene regulated; minus strand). Cytogenetic location: 11q24.2.
Variant type: single nucleotide variant.
Coding change: c.1484C>T on transcript NM_001378964.1 (MANE Select); coding-DNA position 1484, C replaced by T.
Protein change: p.Ala495Val; replaces alanine 495 with valine.
Molecular consequence: missense variant.
Genome position (GRCh38, 1-based): chr11:126,010,409, G>A on the plus strand (C>T on the coding strand, the complement: CDON is on the minus strand). VCF-style: chr11-126010409-G-A. GRCh37 (hg19) VCF-style: chr11-125880304-G-A.
Other names: c.1484C>T, p.Ala495Val (NM_001243597.3, NM_016952.6); short protein forms A495V.
Identifiers: ClinVar variation 2368618 (VCV002368618.3), dbSNP rs749914707, ClinGen allele CA6352027.

ClinVar aggregate classification (germline): Uncertain significance. Review status: criteria provided, multiple submitters, no conflicts (2 of 4 stars). 2 submissions from 2 submitters: Uncertain significance (2). Last evaluated 2025-08-04.

Conditions:
Inborn genetic diseases. Identifiers: MedGen C0950123, MeSH D030342.
Holoprosencephaly 11 (HPE11). Identifiers: Orphanet 2162, MedGen C3280215, MONDO:0013642, OMIM 614226.

Allele frequency attached by ClinVar (database versions not stated): ExAC 0.00003; TOPMed 0.00004.
gnomAD v4.1: 29 of 1,613,920 alleles (0.0018%); highest among the groups gnomAD compares: East Asian, 0.011%; no homozygotes.

Submissions (2):

Labcorp Genetics (formerly Invitae), Labcorp
Classification: Uncertain significance for Holoprosencephaly 11. Last evaluated: 2025-08-04. Review status: criteria provided, single submitter. Criteria: Invitae Variant Classification Sherloc (09022015). Collection method: clinical testing. Allele origin: germline.
Comment: This sequence change replaces alanine, which is neutral and non-polar, with valine, which is neutral and non-polar, at codon 495 of the CDON protein (p.Ala495Val). This variant is present in population databases (rs749914707, gnomAD 0.006%). This variant has not been reported in the literature in individuals affected with CDON-related conditions. ClinVar contains an entry for this variant (Variation ID: 2368618). Invitae Evidence Modeling of protein sequence and biophysical properties (such as structural, functional, and spatial information, amino acid conservation, physicochemical variation, residue mobility, and thermodynamic stability) indicates that this missense variant is not expected to disrupt CDON protein function with a negative predictive value of 80%. In summary, the available evidence is currently insufficient to determine the role of this variant in disease. Therefore, it has been classified as a Variant of Uncertain Significance.

Ambry Genetics
Classification: Uncertain significance for Inborn genetic diseases. Last evaluated: 2022-06-24. Review status: criteria provided, single submitter. Criteria: Ambry Variant Classification Scheme 2023. Collection method: clinical testing. Allele origin: germline.